The following is an entry in ClinVar:

NM_000426.4(LAMA2):c.3685C>T (p.His1229Tyr)

Gene: LAMA2 (laminin subunit alpha 2; plus strand). Cytogenetic location: 6q22.33.
Variant type: single nucleotide variant.
Coding change: c.3685C>T on transcript NM_000426.4 (MANE Select); coding-DNA position 3685, C replaced by T.
Protein change: p.His1229Tyr; replaces histidine 1229 with tyrosine.
Molecular consequence: missense variant.
Genome position (GRCh38, 1-based): chr6:129,315,605, C>T. VCF-style: chr6-129315605-C-T. GRCh37 (hg19) VCF-style: chr6-129636750-C-T.
Other names: c.3685C>T, p.His1229Tyr (NM_001079823.2); short protein forms H1229Y.
Identifiers: ClinVar variation 497342 (VCV000497342.6), dbSNP rs143247439, ClinGen allele CA146914097.

ClinVar aggregate classification (germline): Uncertain significance. Review status: criteria provided, multiple submitters, no conflicts (2 of 4 stars). 2 submissions from 2 submitters: Uncertain significance (2). Last evaluated 2022-05-07.

Conditions:
LAMA2-related muscular dystrophy (LAMA2-RD). Also called: Laminin alpha 2-related dystrophy. Identifiers: MedGen C5679788, MONDO:0100228.

Allele frequency attached by ClinVar (database versions not stated): gnomAD 0.00002; TOPMed 0.00002; gnomAD exomes 0.00003 and 0.00004; ESP Exome Variant Server 0.00008.
gnomAD v4.1: 66 of 1,614,008 alleles (0.0041%); highest among the groups gnomAD compares: Non-Finnish European, 0.0034%; no homozygotes.

Submissions (2):

Labcorp Genetics (formerly Invitae), Labcorp
Classification: Uncertain significance for LAMA2-related muscular dystrophy. Last evaluated: 2022-05-07. Review status: criteria provided, single submitter. Criteria: Invitae Variant Classification Sherloc (09022015). Collection method: clinical testing. Allele origin: germline.
Comment: This sequence change replaces histidine, which is basic and polar, with tyrosine, which is neutral and polar, at codon 1229 of the LAMA2 protein (p.His1229Tyr). This variant is present in population databases (rs143247439, gnomAD 0.03%). This variant has not been reported in the literature in individuals affected with LAMA2-related conditions. ClinVar contains an entry for this variant (Variation ID: 497342). Advanced modeling of protein sequence and biophysical properties (such as structural, functional, and spatial information, amino acid conservation, physicochemical variation, residue mobility, and thermodynamic stability) performed at Invitae indicates that this missense variant is not expected to disrupt LAMA2 protein function. In summary, the available evidence is currently insufficient to determine the role of this variant in disease. Therefore, it has been classified as a Variant of Uncertain Significance.

Eurofins Ntd Llc (ga)
Classification: Uncertain significance. Last evaluated: 2016-09-30. Review status: criteria provided, single submitter. Criteria: EGL Classification Definitions 2015. Collection method: clinical testing. Allele origin: germline. Observed: 1 variant allele, 1 heterozygote.